The following is an entry in ClinVar:

ClinVar aggregate classification (germline): Uncertain significance (1 of 4 stars; one submission).

Allele frequency attached by ClinVar (database versions not stated): gnomAD 0.00001; gnomAD exomes 0.00001; TOPMed 0.00001.
gnomAD v4.1: 13 of 1,566,292 alleles (0.00083%); highest among the groups gnomAD compares: East Asian, 0.0024%; no homozygotes.

Submission:

Labcorp Genetics (formerly Invitae), Labcorp
Classification: Uncertain significance. Last evaluated: 2022-09-15. Review status: criteria provided, single submitter. Criteria: Invitae Variant Classification Sherloc (09022015). Collection method: clinical testing. Allele origin: germline.
Comment: Algorithms developed to predict the effect of missense changes on protein structure and function output the following: SIFT: "Tolerated"; PolyPhen-2: "Benign"; Align-GVGD: "Class C0". The threonine amino acid residue is found in multiple mammalian species, which suggests that this missense change does not adversely affect protein function. In summary, the available evidence is currently insufficient to determine the role of this variant in disease. Therefore, it has been classified as a Variant of Uncertain Significance. This variant has not been reported in the literature in individuals affected with MCM3AP-related conditions. This variant is not present in population databases (gnomAD no frequency). This sequence change replaces isoleucine, which is neutral and non-polar, with threonine, which is neutral and polar, at codon 1915 of the MCM3AP protein (p.Ile1915Thr).

NM_003906.5(MCM3AP):c.5744T>C (p.Ile1915Thr)

Genes: MCM3AP (minichromosome maintenance complex component 3 associated protein; minus strand), MCM3AP-AS1 (MCM3AP antisense RNA 1; plus strand). Cytogenetic location: 21q22.3.
Variant type: single nucleotide variant.
Coding change: c.5744T>C on transcript NM_003906.5 (MANE Select); coding-DNA position 5744, T replaced by C.
Protein change: p.Ile1915Thr; replaces isoleucine 1915 with threonine.
Molecular consequence: missense variant.
Genome position (GRCh38, 1-based): chr21:46,236,869, A>G on the plus strand (T>C on the coding strand, the complement: MCM3AP is on the minus strand). VCF-style: chr21-46236869-A-G. GRCh37 (hg19) VCF-style: chr21-47656783-A-G.
Other names: short protein forms I1915T.
Identifiers: ClinVar variation 1939290 (VCV001939290.3), dbSNP rs911925591, ClinGen allele CA410534644.